The following is an entry in ClinVar:

NM_001401501.2(MUC16):c.1173G>T (p.Gly391=)

Gene: MUC16 (mucin 16, cell surface associated; minus strand). Cytogenetic location: 19p13.2.
Variant type: single nucleotide variant.
Coding change: c.1173G>T on transcript NM_001401501.2 (MANE Select); coding-DNA position 1173, G replaced by T.
Protein change: p.Gly391=; no amino-acid change (glycine 391 retained).
Molecular consequence: synonymous variant.
Genome position (GRCh38, 1-based): chr19:8,980,086, C>A on the plus strand (G>T on the coding strand, the complement: MUC16 is on the minus strand). VCF-style: chr19-8980086-C-A. GRCh37 (hg19) VCF-style: chr19-9090762-C-A.
Other names: c.1599G>T, p.Gly533= (NM_001414686.1); c.1053G>T, p.Gly351= (NM_001414687.1, NM_024690.2).
Identifiers: ClinVar variation 781439 (VCV000781439.6), dbSNP rs10415709, ClinGen allele CA9173484.

ClinVar aggregate classification (germline): Benign. Review status: criteria provided, multiple submitters, no conflicts (2 of 4 stars). 3 submissions from 3 submitters: Benign (2). 1 of the submissions does not count toward it. Last evaluated 2018-08-14.

Conditions:
MUC16-related disorder. Also called: MUC16-related condition.

Allele frequency attached by ClinVar (database versions not stated): gnomAD exomes 0.00570 and 0.00238; gnomAD 0.02174 and 0.02326; ESP Exome Variant Server 0.02349; 1000 Genomes Project 30x 0.02436; TOPMed 0.02468; ExAC 0.00687; 1000 Genomes Project 0.02256.

Submissions (3):

Labcorp Genetics (formerly Invitae), Labcorp
Classification: Benign. Last evaluated: 2018-08-14. Review status: criteria provided, single submitter. Criteria: Invitae Variant Classification Sherloc (09022015). Collection method: clinical testing. Allele origin: germline.

Breakthrough Genomics
Classification: Benign. Review status: criteria provided, single submitter. Criteria: ACMG Guidelines, 2015. Collection method: not provided. Allele origin: germline. Inheritance: Unknown mechanism. Affected: yes.

PreventionGenetics, part of Exact Sciences
Classification: Benign for MUC16-related condition. Last evaluated: 2019-10-01. Review status: no assertion criteria provided. Collection method: clinical testing. Allele origin: germline. Not counted in ClinVar's aggregate classification.
Comment: This variant is classified as benign based on ACMG/AMP sequence variant interpretation guidelines (Richards et al. 2015 PMID: 25741868, with internal and published modifications).